The following is an entry in ClinVar:

ClinVar aggregate classification (germline): Uncertain significance (1 of 4 stars; one submission).

Submission:

Labcorp Genetics (formerly Invitae), Labcorp
Classification: Uncertain significance. Last evaluated: 2025-03-17. Review status: criteria provided, single submitter. Criteria: Invitae Variant Classification Sherloc (09022015). Collection method: clinical testing. Allele origin: germline.
Comment: This sequence change falls in intron 6 of the ERCC8 gene. It does not directly change the encoded amino acid sequence of the ERCC8 protein. This variant is not present in population databases (gnomAD no frequency). This variant has not been reported in the literature in individuals affected with ERCC8-related conditions. ClinVar contains an entry for this variant (Variation ID: 2172686). Algorithms developed to predict the effect of sequence changes on RNA splicing suggest that this variant may disrupt the consensus splice site. In summary, the available evidence is currently insufficient to determine the role of this variant in disease. Therefore, it has been classified as a Variant of Uncertain Significance.

NM_000082.4(ERCC8):c.551-9T>G

Gene: ERCC8 (ERCC excision repair 8, CSA ubiquitin ligase complex subunit; minus strand). Cytogenetic location: 5q12.1.
Variant type: single nucleotide variant.
Coding change: c.551-9T>G on transcript NM_000082.4 (MANE Select); 9 bases into the intron before coding-DNA position 551, T replaced by G.
Molecular consequence: intron variant.
Genome position (GRCh38, 1-based): chr5:60,902,517, A>C on the plus strand (T>G on the coding strand, the complement: ERCC8 is on the minus strand). VCF-style: chr5-60902517-A-C. GRCh37 (hg19) VCF-style: chr5-60198344-A-C.
Other names: c.92-9T>G (NM_001290285.2); c.377-9T>G (NM_001007233.3).
Identifiers: ClinVar variation 2172686 (VCV002172686.2), dbSNP rs2531795625, ClinGen allele CA2580073349.